The following is an entry in ClinVar:

Conditions:
Breast-ovarian cancer, familial, susceptibility to, 1 (BROVCA1). Also called: BRCA1 Hereditary Breast and Ovarian Cancer; OVARIAN CANCER, SUSCEPTIBILITY TO. Identifiers: Orphanet 145, MedGen C2676676, MONDO:0011450, OMIM 604370. Disease mechanism: loss of function.

Submission:

Brotman Baty Institute, University of Washington
No classification provided (evidence only). Condition: Breast-ovarian cancer, familial 1. Review status: no classification provided. Collection method: in vitro. Allele origin: not applicable. Functional consequence: functionally_normal.
ClinVar note: "not provided" was previously submitted as the classification for the variant. However, the classification appeared to be based only on an observation of functional data so it was converted to no classification on 2025-07-30.

NM_007294.4(BRCA1):c.213-8A>G

Gene: BRCA1 (BRCA1 DNA repair associated; minus strand). Cytogenetic location: 17q21.31.
Variant type: single nucleotide variant.
Coding change: c.213-8A>G on transcript NM_007294.4 (MANE Select); 8 bases into the intron before coding-DNA position 213, A replaced by G.
Molecular consequence: intron variant.
Genome position (GRCh38, 1-based): chr17:43,104,964, T>C on the plus strand (A>G on the coding strand, the complement: BRCA1 is on the minus strand). VCF-style: chr17-43104964-T-C. GRCh37 (hg19) VCF-style: chr17-41256981-T-C.
Other names: c.72-8A>G (NM_001408458.1, NM_001407931.1, NM_001407747.1 and 99 more transcripts); c.-218-10104A>G (NM_001407967.1, NM_001407966.1); c.-169-8A>G (NM_001407959.1, NM_001407962.1, NM_001408512.1 and 4 more transcripts); c.3-8A>G (NM_001407885.1, NM_001407886.1, NM_001407898.1 and 58 more transcripts); c.213-8A>G (NM_001407686.1, NM_001408397.1, NM_001407632.1 and 167 more transcripts); c.81-8A>G (NM_001408451.1); c.135-8A>G (NM_001408475.1, NM_001407875.1, NM_001407659.1 and 21 more transcripts).
Identifiers: ClinVar variation 867964 (VCV000867964.3), dbSNP rs80358159, ClinGen allele CA916080856.